The following is an entry in ClinVar:

NM_001199107.2(TBC1D24):c.*732A>G

Gene: TBC1D24 (TBC1 domain family member 24; plus strand). Cytogenetic location: 16p13.3.
Variant type: single nucleotide variant.
Coding change: c.*732A>G on transcript NM_001199107.2 (MANE Select); 732 bases downstream of the stop codon, A replaced by G.
Molecular consequence: 3 prime UTR variant.
Genome position (GRCh38, 1-based): chr16:2,501,690, A>G. VCF-style: chr16-2501690-A-G. GRCh37 (hg19) VCF-style: chr16-2551691-A-G.
Other names: c.*732A>G (NM_020705.3).
Identifiers: ClinVar variation 318634 (VCV000318634.5), dbSNP rs4075481, ClinGen allele CA10637429.

ClinVar aggregate classification (germline): Benign (1 of 4 stars; one submission).

Conditions:
Familial infantile myoclonic epilepsy (FIME). Also called: TBC1D24-Related Familial Infantile Myoclonic Epilepsy (FIME); Epilepsy, Myoclonic, Infantile. Identifiers: Orphanet 352582, MedGen C0917800, MONDO:0011506, OMIM 605021.

Allele frequency attached by ClinVar (database versions not stated): TOPMed 0.02264; gnomAD exomes 0.00429; 1000 Genomes Project 0.02157; gnomAD 0.02025 and 0.02161; 1000 Genomes Project 30x 0.02155.
gnomAD v4.1: 3,051 of 152,662 alleles (2%); highest among the groups gnomAD compares: African/African-American, 6.9%; 111 homozygotes.

Submission:

Illumina Laboratory Services, Illumina
Classification: Benign for Familial infantile myoclonic epilepsy. Last evaluated: 2018-01-12. Review status: criteria provided, single submitter. Criteria: ICSL Variant Classification Criteria 13 December 2019. Collection method: clinical testing. Allele origin: germline.
Comment: This variant was observed in the ICSL laboratory as part of a predisposition screen in an ostensibly healthy population. It had not been previously curated by ICSL or reported in the Human Gene Mutation Database (HGMD: prior to June 1st, 2018), and was therefore a candidate for classification through an automated scoring system. Utilizing variant allele frequency, disease prevalence and penetrance estimates, and inheritance mode, an automated score was calculated to assess if this variant is too frequent to cause the disease. Based on the score and internal cut-off values, a variant classified as benign is not then subjected to further curation. The score for this variant resulted in a classification of benign for this disease.